The following is an entry in ClinVar:

ClinVar aggregate classification (germline): Pathogenic. Review status: criteria provided, multiple submitters, no conflicts (2 of 4 stars). 2 submissions from 2 submitters: Pathogenic (2). Last evaluated 2023-04-19.

Conditions:
Neurofibromatosis, type 1 (NF1). Also called: VON RECKLINGHAUSEN DISEASE; NEUROFIBROMATOSIS, TYPE I, SOMATIC; Neurofibromatosis, type I; Peripheral type neurofibromatosis. Identifiers: Orphanet 636, MedGen C0027831, MONDO:0018975, OMIM 162200. Disease mechanism: loss of function.
Cardiovascular phenotype. Identifiers: MedGen CN230736.
Hereditary cancer-predisposing syndrome. Also called: Neoplastic Syndromes, Hereditary; Tumor predisposition; Hereditary Cancer Syndrome; Hereditary neoplastic syndrome. Identifiers: Orphanet 140162, MedGen C0027672, MeSH D009386, MONDO:0015356.

Submissions (2):

Palindrome, Gene Kavoshgaran Aria
Classification: Pathogenic for Neurofibromatosis, type 1. Last evaluated: 2023-04-19. Review status: criteria provided, single submitter. Criteria: ACMG Guidelines, 2015. Collection method: clinical testing. Allele origin: germline. Inheritance: Autosomal dominant inheritance. Affected: yes. Observed: 1 heterozygote.

Ambry Genetics
Classification: Pathogenic for Cardiovascular phenotype; Hereditary cancer-predisposing syndrome. Last evaluated: 2017-10-05. Review status: criteria provided, single submitter. Criteria: Ambry Variant Classification Scheme 2023. Collection method: clinical testing. Allele origin: germline.
Comment: The c.5353dupC pathogenic mutation, located in coding exon 37 of the NF1 gene, results from a duplication of C at nucleotide position 5353, causing a translational frameshift with a predicted alternate stop codon (p.Q1785Pfs*13). This alteration is expected to result in loss of function by premature protein truncation or nonsense-mediated mRNA decay. As such, this alteration is interpreted as a disease-causing mutation.

NM_001042492.3(NF1):c.5416dup (p.Gln1806fs)

Gene: NF1 (neurofibromin 1; plus strand). Cytogenetic location: 17q11.2.
Variant type: Duplication.
Coding change: c.5416dup on transcript NM_001042492.3 (MANE Select); coding-DNA position 5416, one base duplicated (C; older notation c.5416dupC).
Protein change: p.Gln1806fs; shifts the reading frame from glutamine 1806.
Molecular consequence: frameshift variant.
Genome position (GRCh38, 1-based): chr17:31,327,646, C duplicated; the last of 2 consecutive C bases (chr17:31,327,645-31,327,646); duplicating either gives the same sequence. VCF-style (leftmost placement, unchanged base first): chr17-31327644-A-AC. GRCh37 (hg19) VCF-style: chr17-29654662-A-AC.
Other names: c.5353dupC (NM_000267.3); c.5353dup, p.Gln1785Profs (NM_000267.4); short protein forms Q1785fs, Q1806fs.
Identifiers: ClinVar variation 1747021 (VCV001747021.3), dbSNP rs2508706540, ClinGen allele CA2580093291.